The following is an entry in ClinVar:

ClinVar aggregate classification (germline): Uncertain significance (1 of 4 stars; one submission).

Conditions:
Hereditary cancer-predisposing syndrome. Also called: Neoplastic Syndromes, Hereditary; Tumor predisposition; Hereditary neoplastic syndrome; Hereditary Cancer Syndrome. Identifiers: Orphanet 140162, MedGen C0027672, MeSH D009386, MONDO:0015356.

Submission:

Ambry Genetics
Classification: Uncertain significance for Hereditary cancer-predisposing syndrome. Last evaluated: 2026-06-24. Review status: criteria provided, single submitter. Criteria: Ambry Variant Classification Scheme 2023. Collection method: clinical testing. Allele origin: germline.
Comment: The p.I1161T variant (also known as c.3482T>C), located in coding exon 21 of the PTCH1 gene, results from a T to C substitution at nucleotide position 3482. The isoleucine at codon 1161 is replaced by threonine, an amino acid with similar properties. This amino acid position is conserved. In addition, this alteration is predicted to be deleterious by in silico analysis. Based on the available evidence, the clinical significance of this variant remains unclear.

NM_000264.5(PTCH1):c.3482T>C (p.Ile1161Thr)

Gene: PTCH1 (patched 1; minus strand). Cytogenetic location: 9q22.32.
Variant type: single nucleotide variant.
Coding change: c.3482T>C on transcript NM_000264.5 (MANE Select); coding-DNA position 3482, T replaced by C.
Protein change: p.Ile1161Thr; replaces isoleucine 1161 with threonine.
Molecular consequence: missense variant. On other transcripts: non-coding transcript variant (1).
Genome position (GRCh38, 1-based): chr9:95,449,908, A>G on the plus strand (T>C on the coding strand, the complement: PTCH1 is on the minus strand). VCF-style: chr9-95449908-A-G. GRCh37 (hg19) VCF-style: chr9-98212190-A-G.
Other names: c.3284T>C, p.Ile1095Thr (NM_001083602.3); c.3479T>C, p.Ile1160Thr (NM_001083603.3); c.3029T>C, p.Ile1010Thr (NM_001083604.3, NM_001083605.3, NM_001083606.3 and 1 more transcripts); c.3326T>C, p.Ile1109Thr (NM_001354918.2); short protein forms I1095T, I1010T, I1109T, I1160T, I1161T.
Identifiers: ClinVar variation 5027450 (VCV005027450.1).